The following is an entry in ClinVar:

NM_000337.6(SGCD):c.4-121G>A

Gene: SGCD (sarcoglycan delta; plus strand). Cytogenetic location: 5q33.3.
Variant type: single nucleotide variant.
Coding change: c.4-121G>A on transcript NM_000337.6 (MANE Select); 121 bases into the intron before coding-DNA position 4, G replaced by A.
Molecular consequence: intron variant.
Genome position (GRCh38, 1-based): chr5:156,344,368, G>A. VCF-style: chr5-156344368-G-A. GRCh37 (hg19) VCF-style: chr5-155771378-G-A.
Other names: c.1-121G>A (NM_001128209.2); c.4-121G>A (NM_172244.3).
Identifiers: ClinVar variation 675241 (VCV000675241.1), dbSNP rs79949502, ClinGen allele CA130594202.
Genomic context (GRCh38, chr5:156,344,368, plus strand): 5'-GCTAGCATCCAGAGAAGTCACTTTTGTCCAGAGGAAACAGATTTTTAGAGTTGTCAGAGG[G>A]TATAAAAGTAGACAGCAGCCAGCCATATCTCTTCATCAGTTGATTTTTTTTTCCTTTATT-3'

ClinVar aggregate classification (germline): Likely benign (1 of 4 stars; one submission).

Allele frequency attached by ClinVar (database versions not stated): 1000 Genomes Project 30x 0.00531; 1000 Genomes Project 0.00539; TOPMed 0.01367.
gnomAD v4.1: 11,194 of 647,072 alleles (1.7%); highest among the groups gnomAD compares: Non-Finnish European, 2.3%; 135 homozygotes.

Submission:

GeneDx
Classification: Likely benign. Last evaluated: 2018-06-19. Review status: criteria provided, single submitter. Criteria: GeneDx Variant Classification (06012015). Collection method: clinical testing. Allele origin: germline. Affected: yes.
Comment: This variant is considered likely benign or benign based on one or more of the following criteria: it is a conservative change, it occurs at a poorly conserved position in the protein, it is predicted to be benign by multiple in silico algorithms, and/or has population frequency not consistent with disease.